The following is an entry in ClinVar:

ClinVar aggregate classification (germline): Uncertain significance (1 of 4 stars; one submission).

Conditions:
Hereditary cancer-predisposing syndrome. Also called: Neoplastic Syndromes, Hereditary; Tumor predisposition; Hereditary Cancer Syndrome; Hereditary neoplastic syndrome. Identifiers: Orphanet 140162, MedGen C0027672, MeSH D009386, MONDO:0015356.

Submission:

Ambry Genetics
Classification: Uncertain significance for Hereditary cancer-predisposing syndrome. Last evaluated: 2015-03-23. Review status: criteria provided, single submitter. Criteria: Ambry Variant Classification Scheme 2023. Collection method: clinical testing. Allele origin: germline.
Comment: The p.N1430S variant (also known as c.4289A>G), located in coding exon 28 of the ATM gene, results from an A to G substitution at nucleotide position 4289. The asparagine at codon 1430 is replaced by serine, an amino acid with highly similar properties. This variant was not reported in population based cohorts in the following databases: Database of Single Nucleotide Polymorphisms (dbSNP), NHLBI Exome Sequencing Project (ESP), and 1000 Genomes Project. In the ESP, this variant was not observed in 6495 samples (12990 alleles) with coverage at this position. To date, this alteration has been detected with an allele frequency of approximately 0.002% (greater than 41000 alleles tested) in our clinical cohort. Based on protein sequence alignment, this amino acid position is not well conserved in available vertebrate species. In addition, this alteration is predicted to be tolerated by in silico analysis. Since supporting evidence is limited at this time, the clinical significance of p.N1430S remains unclear.

NM_000051.4(ATM):c.4289A>G (p.Asn1430Ser)

Gene: ATM (ATM serine/threonine kinase; plus strand). Cytogenetic location: 11q22.3.
Variant type: single nucleotide variant.
Coding change: c.4289A>G on transcript NM_000051.4 (MANE Select); coding-DNA position 4289, A replaced by G.
Protein change: p.Asn1430Ser; replaces asparagine 1430 with serine.
Molecular consequence: missense variant.
Genome position (GRCh38, 1-based): chr11:108,289,654, A>G. VCF-style: chr11-108289654-A-G. GRCh37 (hg19) VCF-style: chr11-108160381-A-G.
Other names: c.4289A>G, p.Asn1430Ser (NM_001351834.2); short protein forms N1430S.
Identifiers: ClinVar variation 230964 (VCV000230964.5), dbSNP rs876658870, ClinGen allele CA10579145.
Genomic context (GRCh38, chr11:108,289,654, plus strand): 5'-TTTTCTAGGATTCCTATCAGAAAATTCTTCTTGCCATATGTGAGCAAGCAGCTGAAACAA[A>G]TAATGTTTATAAGAAGCACAGAATTCTTAAAATATATCACCTGTTTGTTAGTTTATTACT-3'
Protein context (NP_000042.3, residues 1420-1440): LAICEQAAET[Asn1430Ser]NVYKKHRILK